The following is an entry in ClinVar:

ClinVar aggregate classification (germline): Likely pathogenic (1 of 4 stars; one submission).

Conditions:
Polycystic kidney disease, adult type (PKD1). Also called: Polycystic Kidney Disease 1, Autosomal Dominant; Polycystic kidney disease 1; Polycystic kidney disease 1, severe; Polycystic Kidney, Autosomal Dominant; POLYCYSTIC KIDNEY DISEASE 1 WITH OR WITHOUT POLYCYSTIC LIVER DISEASE; POLYCYSTIC KIDNEY DISEASE, ADULT, TYPE I. Identifiers: MedGen C3149841, MONDO:0008263, OMIM 173900.

Submission:

Diagnostics Services (NGS), CSIR - Centre For Cellular And Molecular Biology
Classification: Likely pathogenic for Polycystic kidney disease, adult type. Last evaluated: 2022-06-14. Review status: criteria provided, single submitter. Criteria: ACMG Guidelines, 2015. Collection method: clinical testing. Allele origin: germline. Affected: yes. Observed: 2 variant alleles, 2 heterozygotes.
Comment: This 27 bp in-frame insertion variant is not present in publicly available population databases like 1000 Genomes, EVS, gnomAD and Indian Exome Database. The variant is not present in our in-house exome database. The variant was not previously reported to ClinVar, HGMD and OMIM databases, in any affected individuals. In-silico pathogenicity prediction programs like CADD, Varsome etc. predicted this variant to be likely deleterious, however these predictions were not confirmed by any published functional studies. The variant is not present in a repeat region and protein coding length changes as a result of this in-frame variant.

NM_001009944.3(PKD1):c.7356_7357insATACACCTTCACGCTCACGGTGCTGGG (p.Gly2452_Arg2453insIleHisLeuHisAlaHisGlyAlaGly)

Gene: PKD1 (polycystin 1, transient receptor potential channel interacting; minus strand). Cytogenetic location: 16p13.3.
Variant type: Insertion.
Coding change: c.7356_7357insATACACCTTCACGCTCACGGTGCTGGG on transcript NM_001009944.3 (MANE Select); coding-DNA positions 7356 to 7357, ATACACCTTCACGCTCACGGTGCTGGG inserted.
Protein change: p.Gly2452_Arg2453insIleHisLeuHisAlaHisGlyAlaGly.
Molecular consequence: inframe insertion.
Genome position: GRCh38 VCF-style: chr16-2106530-G-GCCCAGCACCGTGAGCGTGAAGGTGTAT. GRCh37 (hg19) VCF-style: chr16-2156531-G-GCCCAGCACCGTGAGCGTGAAGGTGTAT.
Other names: c.7356_7357insATACACCTTCACGCTCACGGTGCTGGG, p.Gly2452_Arg2453insIleHisLeuHisAlaHisGlyAlaGly (NM_000296.4).
Identifiers: ClinVar variation 1802202 (VCV001802202.3), dbSNP rs2544781129, ClinGen allele CA2580090946.